The following is an entry in ClinVar:

NM_001082538.3(TCTN1):c.467C>T (p.Thr156Ile)

Gene: TCTN1 (tectonic family member 1; plus strand). Cytogenetic location: 12q24.11.
Variant type: single nucleotide variant.
Coding change: c.467C>T on transcript NM_001082538.3 (MANE Select); coding-DNA position 467, C replaced by T.
Protein change: p.Thr156Ile; replaces threonine 156 with isoleucine.
Molecular consequence: missense variant. On other transcripts: 5 prime UTR variant (1), non-coding transcript variant (1).
Genome position (GRCh38, 1-based): chr12:110,626,487, C>T. VCF-style: chr12-110626487-C-T. GRCh37 (hg19) VCF-style: chr12-111064292-C-T.
Other names: c.467C>T (NM_001082538.2); c.467C>T, p.Thr156Ile (NM_001082537.3, NM_001319680.2, NM_024549.6); c.299C>T, p.Thr100Ile (NM_001173975.3, NM_001319682.3); c.287C>T, p.Thr96Ile (NM_001173976.2); c.-241C>T (NM_001319681.2); short protein forms T100I, T156I, T96I.
Identifiers: ClinVar variation 1448048 (VCV001448048.10), dbSNP rs369542737, ClinGen allele CA6786560.
Genomic context (GRCh38, chr12:110,626,487, plus strand): 5'-CTCAAAGAGTATTTGAACTTGTTGACCAGATTAATCCATCTATTTTCTGCATTCATATTA[C>T]AAACTGTAAGTATTTGACATTGATATATTTTGTGAAGCTCTGGAAAATTTTTCTCAAAGT-3'
Protein context (NP_001076007.1, residues 146-166): INPSIFCIHI[Thr156Ile]NYKPALSFIN

ClinVar aggregate classification (germline): Uncertain significance. Review status: criteria provided, multiple submitters, no conflicts (2 of 4 stars). 3 submissions from 3 submitters: Uncertain significance (3). Last evaluated 2024-11-21.

Conditions:
Inborn genetic diseases. Identifiers: MedGen C0950123, MeSH D030342.
Meckel-Gruber syndrome. Also called: Dysencephalia splachnocystica; DYSENCEPHALIA SPLANCHNOCYSTICA; GRUBER SYNDROME. Identifiers: Orphanet 564, MedGen C0265215, MONDO:0018921.
Joubert syndrome. Also called: Familial aplasia of the vermis; JOUBERT-BOLTSHAUSER SYNDROME. Identifiers: Orphanet 475, MedGen C5979921, MONDO:0018772.

Allele frequency attached by ClinVar (database versions not stated): TOPMed below 0.00001; ExAC 0.00001; gnomAD 0.00001; gnomAD exomes 0.00001 and 0.00002; ESP Exome Variant Server 0.00009.
gnomAD v4.1: 35 of 1,611,958 alleles (0.0022%); highest among the groups gnomAD compares: Non-Finnish European, 0.0028%; no homozygotes.

Submissions (3):

Ambry Genetics
Classification: Uncertain significance for Inborn genetic diseases. Last evaluated: 2024-11-21. Review status: criteria provided, single submitter. Criteria: Ambry Variant Classification Scheme 2023. Collection method: clinical testing. Allele origin: germline.

Blueprint Genetics
Classification: Uncertain significance. Last evaluated: 2022-04-02. Review status: criteria provided, single submitter. Criteria: ACMG Guidelines, 2015. Collection method: clinical testing. Allele origin: germline.

Labcorp Genetics (formerly Invitae), Labcorp
Classification: Uncertain significance for Joubert syndrome; Meckel-Gruber syndrome. Last evaluated: 2022-03-04. Review status: criteria provided, single submitter. Criteria: Invitae Variant Classification Sherloc (09022015). Collection method: clinical testing. Allele origin: germline.
Comment: Algorithms developed to predict the effect of missense changes on protein structure and function (SIFT, PolyPhen-2, Align-GVGD) all suggest that this variant is likely to be tolerated. In summary, the available evidence is currently insufficient to determine the role of this variant in disease. Therefore, it has been classified as a Variant of Uncertain Significance. This variant has not been reported in the literature in individuals affected with TCTN1-related conditions. This variant is present in population databases (rs369542737, gnomAD 0.003%). This sequence change replaces threonine, which is neutral and polar, with isoleucine, which is neutral and non-polar, at codon 156 of the TCTN1 protein (p.Thr156Ile).